The following is an entry in ClinVar:

NM_177438.3(DICER1):c.3253C>G (p.Leu1085Val)

Gene: DICER1 (dicer 1, ribonuclease III; minus strand). Cytogenetic location: 14q32.13.
Variant type: single nucleotide variant.
Coding change: c.3253C>G on transcript NM_177438.3 (MANE Select); coding-DNA position 3253, C replaced by G.
Protein change: p.Leu1085Val; replaces leucine 1085 with valine.
Molecular consequence: missense variant.
Genome position (GRCh38, 1-based): chr14:95,105,087, G>C on the plus strand (C>G on the coding strand, the complement: DICER1 is on the minus strand). VCF-style: chr14-95105087-G-C. GRCh37 (hg19) VCF-style: chr14-95571424-G-C.
Other names: c.3253C>G, p.Leu1085Val (NM_001195573.1, NM_001271282.3, NM_001291628.2 and 1 more transcripts); short protein forms L1085V.
Identifiers: ClinVar variation 1404447 (VCV001404447.9), dbSNP rs2139985389, ClinGen allele CA390876306.
Genomic context (GRCh38, chr14:95,105,087, plus strand): 5'-GATCTCATGATCTGTGTTCTTTCTGGCTGACTGCACAGGCATACCTAAAATCCGCAGGAA[G>C]TGATCTGACTCCCACGCCAGCATCGCTGGCAGTCTGGGCTCTTAGCTCCTCTGCAGTCAA-3'
Protein context (NP_803187.1, residues 1075-1095): ASDAGVGVRS[Leu1085Val]PADFRYPNLD

ClinVar aggregate classification (germline): Uncertain significance (1 of 4 stars; one submission).

Conditions:
DICER1-related tumor predisposition. Also called: DICER1 syndrome; DICER1-related pleuropulmonary blastoma cancer predisposition syndrome. Identifiers: Orphanet 284343, MedGen C3839822, MONDO:0100216.

Submission:

Labcorp Genetics (formerly Invitae), Labcorp
Classification: Uncertain significance for DICER1-related tumor predisposition. Last evaluated: 2025-03-27. Review status: criteria provided, single submitter. Criteria: Invitae Variant Classification Sherloc (09022015). Collection method: clinical testing. Allele origin: germline.
Comment: This sequence change replaces leucine, which is neutral and non-polar, with valine, which is neutral and non-polar, at codon 1085 of the DICER1 protein (p.Leu1085Val). This variant is not present in population databases (gnomAD no frequency). This variant has not been reported in the literature in individuals affected with DICER1-related conditions. ClinVar contains an entry for this variant (Variation ID: 1404447). Invitae Evidence Modeling of protein sequence and biophysical properties (such as structural, functional, and spatial information, amino acid conservation, physicochemical variation, residue mobility, and thermodynamic stability) indicates that this missense variant is not expected to disrupt DICER1 protein function with a negative predictive value of 95%. In summary, the available evidence is currently insufficient to determine the role of this variant in disease. Therefore, it has been classified as a Variant of Uncertain Significance.